The following is an entry in ClinVar:

ClinVar aggregate classification (germline): Pathogenic (1 of 4 stars; one submission).

Conditions:
Familial adenomatous polyposis 4 (FAP4). Also called: MSH3-related attenuated familial adenomatous polyposis. Identifiers: Orphanet 480536, MedGen C4310719, MONDO:0044300, OMIM 617100.

Submission:

Myriad Genetics, Inc.
Classification: Pathogenic for Familial adenomatous polyposis 4. Last evaluated: 2025-02-26. Review status: criteria provided, single submitter. Criteria: Myriad Autosomal Dominant, Autosomal Recessive and X-Linked Classification Criteria (2023). Collection method: clinical testing. Allele origin: unknown.
Comment: This variant is considered pathogenic. This variant creates a frameshift predicted to result in premature protein truncation.

NM_002439.5(MSH3):c.2768del (p.Pro923fs)

Gene: MSH3 (mutS homolog 3; plus strand). Cytogenetic location: 5q14.1.
Variant type: Deletion.
Coding change: c.2768del on transcript NM_002439.5 (MANE Select); coding-DNA position 2768, one base deleted (C; older notation c.2768delC).
Protein change: p.Pro923fs; shifts the reading frame from proline 923.
Molecular consequence: frameshift variant.
Genome position (GRCh38, 1-based): chr5:80,813,696, C deleted; the last of 2 consecutive C bases (chr5:80,813,695-80,813,696); deleting either gives the same sequence. VCF-style (leftmost placement, unchanged base first): chr5-80813694-TC-T. GRCh37 (hg19) VCF-style: chr5-80109513-TC-T.
Other names: short protein forms P923fs.
Identifiers: ClinVar variation 3904729 (VCV003904729.1).